The following is an entry in ClinVar:

ClinVar aggregate classification (germline): Uncertain significance. Review status: criteria provided, multiple submitters, no conflicts (2 of 4 stars). 2 submissions from 2 submitters: Uncertain significance (2). Last evaluated 2023-07-07.

Conditions:
Familial focal epilepsy with variable foci (FPEVF). Identifiers: Orphanet 98820, MedGen C1858477, MONDO:0020310.

Submissions (2):

Labcorp Genetics (formerly Invitae), Labcorp
Classification: Uncertain significance for Familial focal epilepsy with variable foci. Last evaluated: 2023-07-07. Review status: criteria provided, single submitter. Criteria: Invitae Variant Classification Sherloc (09022015). Collection method: clinical testing. Allele origin: germline.
Comment: In summary, the available evidence is currently insufficient to determine the role of this variant in disease. Therefore, it has been classified as a Variant of Uncertain Significance. Experimental studies and prediction algorithms are not available or were not evaluated, and the functional significance of this variant is currently unknown. ClinVar contains an entry for this variant (Variation ID: 450880). This variant has not been reported in the literature in individuals affected with DEPDC5-related conditions. This variant is not present in population databases (gnomAD no frequency). This sequence change replaces valine, which is neutral and non-polar, with methionine, which is neutral and non-polar, at codon 841 of the DEPDC5 protein (p.Val841Met).

GeneDx
Classification: Uncertain significance. Last evaluated: 2023-02-22. Review status: criteria provided, single submitter. Criteria: GeneDx Variant Classification Process June 2021. Collection method: clinical testing. Allele origin: germline. Affected: yes.
Comment: Not observed at significant frequency in large population cohorts (gnomAD); In silico analysis supports that this missense variant does not alter protein structure/function; Has not been previously published as pathogenic or benign to our knowledge

NM_001242896.3(DEPDC5):c.2521G>A (p.Val841Met)

Gene: DEPDC5 (DEP domain containing 5, GATOR1 subcomplex subunit; plus strand). Cytogenetic location: 22q12.3.
Variant type: single nucleotide variant.
Coding change: c.2521G>A on transcript NM_001242896.3 (MANE Select); coding-DNA position 2521, G replaced by A.
Protein change: p.Val841Met; replaces valine 841 with methionine.
Molecular consequence: missense variant. On other transcripts: non-coding transcript variant (5).
Genome position (GRCh38, 1-based): chr22:31,843,100, G>A. VCF-style: chr22-31843100-G-A. GRCh37 (hg19) VCF-style: chr22-32239086-G-A.
Other names: c.2494G>A, p.Val832Met (NM_001136029.4, NM_001369903.1, NM_014662.6); c.2287G>A, p.Val763Met (NM_001242897.2, NM_001363854.2, NM_001364319.2); c.2521G>A, p.Val841Met (NM_001363852.2, NM_001364318.2, NM_001364320.2); c.2437G>A, p.Val813Met (NM_001369901.1, NM_001369902.1); short protein forms V763M, V841M, V813M, V832M.
Identifiers: ClinVar variation 450880 (VCV000450880.11), dbSNP rs1555899402, ClinGen allele CA411288229.